The following is an entry in ClinVar:

NM_019055.6(ROBO4):c.1652A>G (p.Asp551Gly)

Gene: ROBO4 (roundabout guidance receptor 4; minus strand). Cytogenetic location: 11q24.2.
Variant type: single nucleotide variant.
Coding change: c.1652A>G on transcript NM_019055.6 (MANE Select); coding-DNA position 1652, A replaced by G.
Protein change: p.Asp551Gly; replaces aspartic acid 551 with glycine.
Molecular consequence: missense variant.
Genome position (GRCh38, 1-based): chr11:124,891,698, T>C on the plus strand (A>G on the coding strand, the complement: ROBO4 is on the minus strand). VCF-style: chr11-124891698-T-C. GRCh37 (hg19) VCF-style: chr11-124761594-T-C.
Other names: c.1217A>G, p.Asp406Gly (NM_001301088.2); c.1652A>G, p.Asp551Gly (NM_001441183.1); short protein forms D406G, D551G.
Identifiers: ClinVar variation 5020695 (VCV005020695.1).

ClinVar aggregate classification (germline): Uncertain significance (1 of 4 stars; one submission).

gnomAD v4.1: 3 of 1,613,958 alleles (0.00019%); highest among the groups gnomAD compares: African/African-American, 0.0013%; no homozygotes.

Submission:

Dasa
Classification: Uncertain significance. Last evaluated: 2026-02-26. Review status: criteria provided, single submitter. Criteria: DASA Assertion Criteria. Collection method: clinical testing. Allele origin: germline.
Comment: NM_019055.6(ROBO4):c.1652A>G (p.Asp551Gly) is a missense variant that results in the substitution of aspartic acid with glycine. This variant is absent from population databases. Computational prediction algorithms are consistent with a deleterious effect. The currently available literature and clinical evidence are not sufficient to establish a definitive association between this variant and the reported condition. Therefore, this variant is classified as a variant of uncertain significance.